The following is an entry in ClinVar:

ClinVar aggregate classification (germline): Likely benign. Review status: criteria provided, multiple submitters, no conflicts (2 of 4 stars). 15 submissions from 13 submitters: Likely benign (11). 4 of the submissions do not count toward it. Last evaluated 2026-02-03.

Conditions:
TNNT2-related disorder. Also called: TNNT2-related condition.
Cardiovascular phenotype. Identifiers: MedGen CN230736.
Cardiomyopathy (CMYO). Also called: Cardiomyopathies. Identifiers: Orphanet 167848, MedGen C0878544, MONDO:0004994, HP:0001638. Inheritance: Various modes of inheritance.
Hypertrophic cardiomyopathy 2. Also called: TNNT2-Related Familial Hypertrophic Cardiomyopathy. Identifiers: MedGen C1861864, MONDO:0007266, OMIM 115195.
Cardiomyopathy, familial restrictive, 3. Identifiers: Orphanet 75249, MedGen C2676271, MONDO:0012900, OMIM 612422.
Dilated cardiomyopathy 1D. Identifiers: Orphanet 154, Orphanet 54260, MedGen C1832243, MONDO:0011095, OMIM 601494.

Allele frequency attached by ClinVar (database versions not stated): gnomAD exomes below 0.00001; TOPMed below 0.00001; ExAC 0.00001; gnomAD 0.00001.

Submissions (15):

Labcorp Genetics (formerly Invitae), Labcorp
Classification: Likely benign for Cardiomyopathy, familial restrictive, 3; Hypertrophic cardiomyopathy 2; Dilated cardiomyopathy 1D. Last evaluated: 2026-02-03. Review status: criteria provided, single submitter. Criteria: Invitae Variant Classification Sherloc (09022015). Collection method: clinical testing. Allele origin: germline.

CeGaT Center for Human Genetics Tuebingen
Classification: Likely benign. Last evaluated: 2026-02-01. Review status: criteria provided, single submitter. Criteria: CeGaT Center For Human Genetics Tuebingen Variant Classification Criteria Version 2. Collection method: clinical testing. Allele origin: germline. Affected: yes. Observed: 1 variant allele.
Comment: TNNT2: BP4, BP7

ARUP Laboratories, Molecular Genetics and Genomics, ARUP Laboratories
Classification: Likely benign. Last evaluated: 2025-04-03. Review status: criteria provided, single submitter. Criteria: ARUP Molecular Germline Variant Investigation Process 2024. Collection method: clinical testing. Allele origin: germline.

Blueprint Genetics
Classification: Likely benign. Last evaluated: 2024-10-23. Review status: criteria provided, single submitter. Criteria: ACMG Guidelines, 2015. Collection method: clinical testing. Allele origin: germline.

All of Us Research Program, National Institutes of Health
Classification: Likely benign for Cardiomyopathy. Last evaluated: 2023-12-13. Review status: criteria provided, single submitter. Criteria: ACMG Guidelines, 2015. Collection method: clinical testing. Allele origin: germline. Inheritance: Autosomal dominant inheritance. Observed: 2 variant alleles, 2 heterozygotes.
Comment: This study involves interpretation of variants in research participants for the purpose of population health screening. Participant phenotype was not available at the time of variant classification. Additional details can be found in publication PMID: 35346344, PMCID: PMC8962531

Genome-Nilou Lab
Classification: Likely benign for Dilated cardiomyopathy 1D. Last evaluated: 2023-11-04. Review status: criteria provided, single submitter. Criteria: ACMG Guidelines, 2015. Collection method: clinical testing. Allele origin: germline. Affected: no.

Genome-Nilou Lab
Classification: Likely benign for Cardiomyopathy, familial restrictive, 3. Last evaluated: 2023-11-04. Review status: criteria provided, single submitter. Criteria: ACMG Guidelines, 2015. Collection method: clinical testing. Allele origin: germline. Affected: no.

Genome-Nilou Lab
Classification: Likely benign for Hypertrophic cardiomyopathy 2. Last evaluated: 2023-11-04. Review status: criteria provided, single submitter. Criteria: ACMG Guidelines, 2015. Collection method: clinical testing. Allele origin: germline. Affected: no.

Ambry Genetics
Classification: Likely benign for Cardiovascular phenotype. Last evaluated: 2021-10-12. Review status: criteria provided, single submitter. Criteria: Ambry Variant Classification Scheme 2023. Collection method: clinical testing. Allele origin: germline.

Color Diagnostics, LLC DBA Color Health
Classification: Likely benign for Cardiomyopathy. Last evaluated: 2018-11-14. Review status: criteria provided, single submitter. Criteria: ACMG Guidelines, 2015. Collection method: clinical testing. Allele origin: germline.

Laboratory for Molecular Medicine, Mass General Brigham Personalized Medicine
Classification: Likely benign. Last evaluated: 2014-12-30. Review status: criteria provided, single submitter. Criteria: LMM Criteria. Collection method: clinical testing. Allele origin: germline. Observed: 3 variant alleles.
Comment: p.Thr38Thr in exon 5 of TNNT2: This variant is not expected to have clinical sig nificance because it does not alter an amino acid residue and is not located wit hin the splice consensus sequence. This variant has been identified in 1/8764 As ian chromosomes by the Exome Aggregation Consortium (ExAC).

PreventionGenetics, part of Exact Sciences
Classification: Likely benign for TNNT2-related condition. Last evaluated: 2019-03-05. Review status: no assertion criteria provided. Collection method: clinical testing. Allele origin: germline. Not counted in ClinVar's aggregate classification.
Comment: This variant is classified as likely benign based on ACMG/AMP sequence variant interpretation guidelines (Richards et al. 2015 PMID: 25741868, with internal and published modifications).

Clinical Genetics, Academic Medical Center
Classification: Benign. Review status: no assertion criteria provided. Collection method: clinical testing. Allele origin: germline. Affected: yes. Study: VKGL Data-share Consensus. Not counted in ClinVar's aggregate classification.

Genome Diagnostics Laboratory, University Medical Center Utrecht
Classification: Likely benign. Review status: no assertion criteria provided. Collection method: clinical testing. Allele origin: germline. Affected: yes. Study: VKGL Data-share Consensus. Not counted in ClinVar's aggregate classification.

Joint Genome Diagnostic Labs from Nijmegen and Maastricht, Radboudumc and MUMC+
Classification: Likely benign. Review status: no assertion criteria provided. Collection method: clinical testing. Allele origin: germline. Affected: yes. Study: VKGL Data-share Consensus. Not counted in ClinVar's aggregate classification.

NM_001276345.2(TNNT2):c.144C>T (p.Thr48=)

Gene: TNNT2 (troponin T2, cardiac type; minus strand). Cytogenetic location: 1q32.1.
Variant type: single nucleotide variant.
Coding change: c.144C>T on transcript NM_001276345.2 (MANE Select); coding-DNA position 144, C replaced by T.
Protein change: p.Thr48=; no amino-acid change (threonine 48 retained).
Molecular consequence: synonymous variant.
Genome position (GRCh38, 1-based): chr1:201,368,181, G>A on the plus strand (C>T on the coding strand, the complement: TNNT2 is on the minus strand). VCF-style: chr1-201368181-G-A. GRCh37 (hg19) VCF-style: chr1-201337309-G-A.
Other names: c.144C>T, p.Thr48= (NM_000364.4, NM_001276346.2); c.114C>T, p.Thr38= (NM_001001430.3, NM_001001431.3, NM_001276347.2); c.99C>T, p.Thr33= (NM_001001432.3).
Identifiers: ClinVar variation 228019 (VCV000228019.33), dbSNP rs746492909, ClinGen allele CA088875.